The following is an entry in ClinVar:

NM_000136.3(FANCC):c.181A>G (p.Ile61Val)

Gene: FANCC (FA complementation group C; minus strand). Cytogenetic location: 9q22.32.
Variant type: single nucleotide variant.
Coding change: c.181A>G on transcript NM_000136.3 (MANE Select); coding-DNA position 181, A replaced by G.
Protein change: p.Ile61Val; replaces isoleucine 61 with valine.
Molecular consequence: missense variant.
Genome position (GRCh38, 1-based): chr9:95,247,501, T>C on the plus strand (A>G on the coding strand, the complement: FANCC is on the minus strand). VCF-style: chr9-95247501-T-C. GRCh37 (hg19) VCF-style: chr9-98009783-T-C.
Other names: c.181A>G, p.Ile61Val (NM_001243744.2, NM_001243743.2); short protein forms I61V.
Identifiers: ClinVar variation 4870959 (VCV004870959.1).

ClinVar aggregate classification (germline): Uncertain significance (1 of 4 stars; one submission).

Conditions:
Hereditary cancer-predisposing syndrome. Also called: Neoplastic Syndromes, Hereditary; Hereditary Cancer Syndrome; Hereditary neoplastic syndrome; Tumor predisposition. Identifiers: Orphanet 140162, MedGen C0027672, MeSH D009386, MONDO:0015356.

gnomAD v4.1: 1 of 1,613,216 alleles (0.000062%); highest among the groups gnomAD compares: Non-Finnish European, 0.000085%; no homozygotes.

Submission:

Ambry Genetics
Classification: Uncertain significance for Hereditary cancer-predisposing syndrome. Last evaluated: 2026-05-21. Review status: criteria provided, single submitter. Criteria: Ambry Variant Classification Scheme 2023. Collection method: clinical testing. Allele origin: germline.
Comment: The p.I61V variant (also known as c.181A>G), located in coding exon 2 of the FANCC gene, results from an A to G substitution at nucleotide position 181. The isoleucine at codon 61 is replaced by valine, an amino acid with highly similar properties. This amino acid position is conserved. In addition, this alteration is predicted to be tolerated by in silico analysis. Based on the available evidence, the clinical significance of this variant remains unclear.